The following is an entry in ClinVar:

ClinVar aggregate classification (germline): Pathogenic/Likely pathogenic. Review status: criteria provided, multiple submitters, no conflicts (2 of 4 stars). 2 submissions from 2 submitters: Pathogenic (1); Likely pathogenic (1). Last evaluated 2024-11-13.

Conditions:
Wilson disease (WND). Also called: Wilson's disease. Identifiers: Orphanet 905, MedGen C0019202, MONDO:0010200, OMIM 277900. Disease mechanism: loss of function.

Submissions (2):

Myriad Genetics, Inc.
Classification: Pathogenic for Wilson disease. Last evaluated: 2024-11-13. Review status: criteria provided, single submitter. Criteria: Myriad Autosomal Dominant, Autosomal Recessive and X-Linked Classification Criteria (2023). Collection method: clinical testing. Allele origin: unknown.
Comment: NM_000053.3(ATP7B):c.3437_3438delTG(V1146Afs*6) is expected to be pathogenic in the context of Wilson disease. This variant is predicted to lead to an abnormal or absent protein product due to the creation of a premature termination codon in ATP7B, a gene where loss-of-function variants are known to be pathogenic. Please note: this variant was assessed in the context of healthy population screening.

Baylor Genetics
Classification: Likely pathogenic for Wilson disease. Last evaluated: 2023-08-16. Review status: criteria provided, single submitter. Criteria: ACMG Guidelines, 2015. Collection method: clinical testing. Allele origin: unknown.

NM_000053.4(ATP7B):c.3437_3438del (p.Val1146fs)

Gene: ATP7B (ATPase copper transporting beta; minus strand). Cytogenetic location: 13q14.3.
Variant type: Microsatellite.
Coding change: c.3437_3438del on transcript NM_000053.4 (MANE Select); coding-DNA positions 3437 to 3438, 2 bases deleted (TG; older notation c.3437_3438delTG).
Protein change: p.Val1146fs; shifts the reading frame from valine 1146.
Molecular consequence: frameshift variant. On other transcripts: intron variant (2).
Genome position (GRCh38, 1-based): chr13:51,941,199-51,941,200, CA deleted on the plus strand (TG on the coding strand, the reverse complement: ATP7B is on the minus strand); deleting any 2 consecutive bases within chr13:51,941,199-51,941,202 gives the same sequence; the c. name uses the placement nearest the transcript's 3' end. VCF-style (leftmost placement, unchanged base first): chr13-51941198-GCA-G. GRCh37 (hg19) VCF-style: chr13-52515334-GCA-G.
Other names: c.3064+1186_3064+1187del (NM_001406543.1); c.3178+1186_3178+1187del (NM_001406538.1); c.3203_3204del, p.Val1068fs (NM_001406527.1, NM_001406528.1, NM_001330578.2); c.3197_3198del, p.Val1066fs (NM_001406530.1); c.3185_3186del, p.Val1062fs (NM_001406531.1, NM_001406532.1, NM_001330579.2); c.3149_3150del, p.Val1050fs (NM_001406534.1); c.3107_3108del, p.Val1036fs (NM_001406535.1, NM_001406536.1); c.3341_3342del, p.Val1114fs (NM_001406517.1, NM_001406518.1); and 20 more; short protein forms V1003fs, V1033fs, V1035fs, V1036fs, V1050fs, V1062fs, V1066fs, V1068fs.
Identifiers: ClinVar variation 2679796 (VCV002679796.2), dbSNP rs1957309883, ClinGen allele CA2091559576.